The following is an entry in ClinVar:

ClinVar aggregate classification (germline): Uncertain significance. Review status: criteria provided, single submitter (1 of 4 stars). 2 submissions from 2 submitters: Uncertain significance (1). 1 of the submissions does not count toward it. Last evaluated 2024-12-24.

Conditions:
NR0B2-related disorder. Also called: NR0B2-related condition.

gnomAD v4.1: 86 of 1,607,866 alleles (0.0053%); highest among the groups gnomAD compares: Middle Eastern, 0.099%; no homozygotes.

Submissions (2):

Ambry Genetics
Classification: Uncertain significance. Last evaluated: 2024-12-24. Review status: criteria provided, single submitter. Criteria: Ambry Variant Classification Scheme 2023. Collection method: clinical testing. Allele origin: germline.

PreventionGenetics, part of Exact Sciences
Classification: Uncertain significance for NR0B2-related condition. Last evaluated: 2024-06-05. Review status: no assertion criteria provided. Collection method: clinical testing. Allele origin: germline. Not counted in ClinVar's aggregate classification.
Comment: The NR0B2 c.221C>T variant is predicted to result in the amino acid substitution p.Pro74Leu. To our knowledge, this variant has not been reported in the literature. This variant is reported in 0.079% of alleles in individuals of South Asian descent in gnomAD. Although we suspect this variant may be benign, this time, the clinical significance of this variant is uncertain due to the absence of conclusive functional and genetic evidence.

NM_021969.3(NR0B2):c.221C>T (p.Pro74Leu)

Genes: NR0B2 (nuclear receptor subfamily 0 group B member 2; minus strand), NUDC (nuclear distribution C, dynein complex regulator; plus strand). Cytogenetic location: 1p36.11.
Variant type: single nucleotide variant.
Coding change: c.221C>T on transcript NM_021969.3 (MANE Select); coding-DNA position 221, C replaced by T.
Protein change: p.Pro74Leu; replaces proline 74 with leucine.
Molecular consequence: missense variant.
Genome position (GRCh38, 1-based): chr1:26,913,720, G>A on the plus strand (C>T on the coding strand, the complement: NR0B2 is on the minus strand). VCF-style: chr1-26913720-G-A. GRCh37 (hg19) VCF-style: chr1-27240211-G-A.
Other names: short protein forms P74L.
Identifiers: ClinVar variation 3354365 (VCV003354365.2).
Genomic context (GRCh38, chr1:26,913,720, plus strand): 5'-GGGCCCCAGCAACCCTGCAGCAGCCGCCGCTGGTCCTGGGGAGGCAGCTGCCAGAAGGAT[G>A]GCAGGTTCCTGAGGAAGGCCACTGTCTTGGCCAGAACATCCAAGGCCTCCCGGCAGGTGC-3'
Protein context (NP_068804.1, residues 64-84): AKTVAFLRNL[Pro74Leu]SFWQLPPQDQ